The following is an entry in ClinVar:

NM_003361.4(UMOD):c.659delinsGCCGAGA (p.Val220delinsGlyArgAsp)

Gene: UMOD (uromodulin; minus strand). Cytogenetic location: 16p12.3.
Variant type: Indel.
Coding change: c.659delinsGCCGAGA on transcript NM_003361.4 (MANE Select); coding-DNA position 659, T replaced by GCCGAGA.
Protein change: p.Val220delinsGlyArgAsp.
Molecular consequence: inframe indel. On other transcripts: non-coding transcript variant (1).
Genome position (GRCh38, 1-based): chr16:20,348,642, A replaced by TCTCGGC on the plus strand (T replaced by GCCGAGA on the coding strand, the reverse complement: UMOD is on the minus strand). VCF-style: chr16-20348642-A-TCTCGGC. GRCh37 (hg19) VCF-style: chr16-20359964-A-TCTCGGC.
Other names: c.659delinsGCCGAGA, p.Val220delinsGlyArgAsp (NM_001008389.3, NM_001378232.1, NM_001378233.1 and 3 more transcripts); c.758delinsGCCGAGA, p.Val253delinsGlyArgAsp (NM_001278614.2).
Identifiers: ClinVar variation 4998079 (VCV004998079.1).

ClinVar aggregate classification (germline): Uncertain significance (1 of 4 stars; one submission).

Conditions:
UMOD-related disorder. Also called: UMOD-related condition.

Submission:

PreventionGenetics, part of Exact Sciences
Classification: Uncertain significance for UMOD-related condition. Last evaluated: 2025-06-25. Review status: criteria provided, single submitter. Criteria: ACMG Guidelines, 2015. Collection method: clinical testing. Allele origin: germline.
Comment: The UMOD c.659delinsGCCGAGA variant is predicted to result in an in-frame deletion and insertion. To our knowledge, this variant has not been reported in the literature or in a large population database (gnomAD), indicating this variant is rare. At this time, the clinical significance of this variant is uncertain due to the absence of conclusive functional and genetic evidence.